The following is an entry in ClinVar:

ClinVar aggregate classification (germline): Uncertain significance (1 of 4 stars; one submission).

Conditions:
Progressive familial heart block type IB (PFHB1B). Identifiers: Orphanet 871, MedGen C1970298, MONDO:0011474, OMIM 604559.

Allele frequency attached by ClinVar (database versions not stated): gnomAD exomes below 0.00001; TOPMed 0.00001.
gnomAD v4.1: 2 of 1,613,966 alleles (0.00012%); highest among the groups gnomAD compares: East Asian, 0.0045%; no homozygotes.

Submission:

Labcorp Genetics (formerly Invitae), Labcorp
Classification: Uncertain significance for Progressive familial heart block type IB. Last evaluated: 2022-02-06. Review status: criteria provided, single submitter. Criteria: Invitae Variant Classification Sherloc (09022015). Collection method: clinical testing. Allele origin: germline.
Comment: In summary, the available evidence is currently insufficient to determine the role of this variant in disease. Therefore, it has been classified as a Variant of Uncertain Significance. Algorithms developed to predict the effect of missense changes on protein structure and function (SIFT, PolyPhen-2, Align-GVGD) all suggest that this variant is likely to be disruptive. This variant has not been reported in the literature in individuals affected with TRPM4-related conditions. This variant is not present in population databases (gnomAD no frequency). This sequence change replaces glycine, which is neutral and non-polar, with alanine, which is neutral and non-polar, at codon 305 of the TRPM4 protein (p.Gly305Ala).

NM_017636.4(TRPM4):c.914G>C (p.Gly305Ala)

Gene: TRPM4 (transient receptor potential cation channel subfamily M member 4; plus strand). Cytogenetic location: 19q13.33.
Variant type: single nucleotide variant.
Coding change: c.914G>C on transcript NM_017636.4 (MANE Select); coding-DNA position 914, G replaced by C.
Protein change: p.Gly305Ala; replaces glycine 305 with alanine.
Molecular consequence: missense variant. On other transcripts: 5 prime UTR variant (1).
Genome position (GRCh38, 1-based): chr19:49,171,633, G>C. VCF-style: chr19-49171633-G-C. GRCh37 (hg19) VCF-style: chr19-49674890-G-C.
Other names: c.914G>C, p.Gly305Ala (NM_001195227.2); c.569G>C, p.Gly190Ala (NM_001321281.2); c.-640G>C (NM_001321282.2); c.392G>C, p.Gly131Ala (NM_001321283.2); c.65G>C, p.Gly22Ala (NM_001321285.2); short protein forms G131A, G190A, G22A, G305A.
Identifiers: ClinVar variation 1951962 (VCV001951962.5), dbSNP rs1256983216, ClinGen allele CA406793980.
Genomic context (GRCh38, chr19:49,171,633, plus strand): 5'-TGTAGCGAATAGAGAACGCCACCCAGGCTCAGCTCCCATGTCTCCTCGTGGCTGGCTCAG[G>C]GGGAGCTGCGGACTGCCTGGCGGAGACCCTGGAAGACACTCTGGCCCCAGGGAGTGGGGG-3'
Protein context (NP_060106.2, residues 295-315): QLPCLLVAGS[Gly305Ala]GAADCLAETL